The following is an entry in ClinVar:

NM_001160148.2(DDHD1):c.1890G>A (p.Ala630=)

Gene: DDHD1 (DDHD domain containing 1; minus strand). Cytogenetic location: 14q22.1.
Variant type: single nucleotide variant.
Coding change: c.1890G>A on transcript NM_001160148.2 (MANE Select); coding-DNA position 1890, G replaced by A.
Protein change: p.Ala630=; no amino-acid change (alanine 630 retained).
Molecular consequence: synonymous variant.
Genome position (GRCh38, 1-based): chr14:53,058,579, C>T on the plus strand (G>A on the coding strand, the complement: DDHD1 is on the minus strand). VCF-style: chr14-53058579-C-T. GRCh37 (hg19) VCF-style: chr14-53525297-C-T.
Other names: c.1911G>A, p.Ala637= (NM_001160147.2); c.1890G>A, p.Ala630= (NM_030637.3).
Identifiers: ClinVar variation 391795 (VCV000391795.17), dbSNP rs546774166, ClinGen allele CA7191098.

ClinVar aggregate classification (germline): Benign/Likely benign. Review status: criteria provided, multiple submitters, no conflicts (2 of 4 stars). 5 submissions from 5 submitters: Benign (1); Likely benign (3). 1 of the submissions does not count toward it. Last evaluated 2025-11-24.

Conditions:
DDHD1-related disorder. Also called: DDHD1-related condition.
Hereditary spastic paraplegia. Also called: Familial spastic paraparesis. Identifiers: Orphanet 685, MedGen C0037773, MONDO:0019064. Disease mechanism: loss of function.
Hereditary spastic paraplegia 28. Also called: Spastic paraplegia 28, autosomal recessive. Identifiers: Orphanet 101008, MedGen C1836295, MONDO:0012256, OMIM 609340.

Allele frequency attached by ClinVar (database versions not stated): gnomAD 0.00002 and 0.00014; TOPMed 0.00003; gnomAD exomes 0.00020 and 0.00034; ExAC 0.00045; 1000 Genomes Project 0.00080; 1000 Genomes Project 30x 0.00109.
gnomAD v4.1: 304 of 1,613,480 alleles (0.019%); highest among the groups gnomAD compares: South Asian, 0.29%; 2 homozygotes.

Submissions (5):

Labcorp Genetics (formerly Invitae), Labcorp
Classification: Benign for Hereditary spastic paraplegia 28. Last evaluated: 2025-11-24. Review status: criteria provided, single submitter. Criteria: Invitae Variant Classification Sherloc (09022015). Collection method: clinical testing. Allele origin: germline.

Genome Diagnostics Laboratory, The Hospital for Sick Children
Classification: Likely benign for Hereditary spastic paraplegia. Last evaluated: 2020-11-18. Review status: criteria provided, single submitter. Criteria: ACMG Guidelines, 2015. Collection method: clinical testing. Allele origin: germline. Affected: yes.

GeneDx
Classification: Likely benign. Last evaluated: 2016-12-19. Review status: criteria provided, single submitter. Criteria: GeneDx Variant Classification (06012015). Collection method: clinical testing. Allele origin: germline. Affected: yes.
Comment: This variant is considered likely benign or benign based on one or more of the following criteria: it is a conservative change, it occurs at a poorly conserved position in the protein, it is predicted to be benign by multiple in silico algorithms, and/or has population frequency not consistent with disease.

Breakthrough Genomics
Classification: Likely benign. Review status: criteria provided, single submitter. Criteria: ACMG Guidelines, 2015. Collection method: not provided. Allele origin: germline. Inheritance: Autosomal recessive inheritance. Affected: yes.

PreventionGenetics, part of Exact Sciences
Classification: Likely benign for DDHD1-related condition. Last evaluated: 2019-03-18. Review status: no assertion criteria provided. Collection method: clinical testing. Allele origin: germline. Not counted in ClinVar's aggregate classification.
Comment: This variant is classified as likely benign based on ACMG/AMP sequence variant interpretation guidelines (Richards et al. 2015 PMID: 25741868, with internal and published modifications).